The following is an entry in ClinVar:

NM_152443.3(RDH12):c.505C>G (p.Arg169Gly)

Genes: GPHN (gephyrin; plus strand), RDH12 (retinol dehydrogenase 12; plus strand). Cytogenetic location: 14q24.1.
Variant type: single nucleotide variant.
Coding change: c.505C>G on transcript NM_152443.3 (MANE Select); coding-DNA position 505, C replaced by G.
Protein change: p.Arg169Gly; replaces arginine 169 with glycine.
Molecular consequence: missense variant.
Genome position (GRCh38, 1-based): chr14:67,727,037, C>G. VCF-style: chr14-67727037-C-G. GRCh37 (hg19) VCF-style: chr14-68193754-C-G.
Other names: c.505C>G (NM_152443.2); short protein forms R169G.
Identifiers: ClinVar variation 1516047 (VCV001516047.15), dbSNP rs761167763, ClinGen allele CA7238734.

ClinVar aggregate classification (germline): Pathogenic/Likely pathogenic. Review status: criteria provided, multiple submitters, no conflicts (2 of 4 stars). 5 submissions from 5 submitters: Pathogenic (4); Likely pathogenic (1). Last evaluated 2025-11-05.

Conditions:
Leber congenital amaurosis (LCA). Also called: Leber's amaurosis. Identifiers: Orphanet 65, MedGen C0339527, MeSH D057130, MONDO:0018998.
Leber congenital amaurosis 13 (LCA13). Identifiers: MedGen C2675186, MONDO:0012990, OMIM 612712.
RDH12-related disorder. Also called: RDH12-related condition; RDH12-related disorders.

Allele frequency attached by ClinVar (database versions not stated): ExAC 0.00002.
gnomAD v4.1: 4 of 1,613,834 alleles (0.00025%); highest among the groups gnomAD compares: East Asian, 0.0045%; no homozygotes.

Submissions (5):

Natera, Inc.
Classification: Pathogenic for Leber congenital amaurosis. Last evaluated: 2025-11-05. Review status: criteria provided, single submitter. Criteria: Natera Variant Classification Schema (03/2026). Collection method: clinical testing. Allele origin: germline.
Comment: The c.505C>G variant in RDH12 is a missense variant predicted to cause substitution of arginine to glycine at amino acid 169. This variant is rare in the general population with a frequency below the threshold expected for the associated phenotype(s). This variant has been observed in one or more individuals affected with the associated recessive disease, as either homozygous or compound heterozygous with a second variant (PMID: 26047050, 30134391, 33608557, 35006499, 36729443). Computational prediction algorithms indicate this variant is likely to affect gene or protein function. Given the available evidence, this variant is classified as Pathogenic.

Labcorp Genetics (formerly Invitae), Labcorp
Classification: Pathogenic for Leber congenital amaurosis 13. Last evaluated: 2025-01-23. Review status: criteria provided, single submitter. Criteria: Invitae Variant Classification Sherloc (09022015). Collection method: clinical testing. Allele origin: germline.
Comment: This sequence change replaces arginine, which is basic and polar, with glycine, which is neutral and non-polar, at codon 169 of the RDH12 protein (p.Arg169Gly). This variant is present in population databases (rs761167763, gnomAD 0.02%). This missense change has been observed in individual(s) with autosomal recessive RDH12-related conditions (PMID: 26047050, 35006499). In at least one individual the data is consistent with being in trans (on the opposite chromosome) from a pathogenic variant. ClinVar contains an entry for this variant (Variation ID: 1516047). Invitae Evidence Modeling of protein sequence and biophysical properties (such as structural, functional, and spatial information, amino acid conservation, physicochemical variation, residue mobility, and thermodynamic stability) indicates that this missense variant is expected to disrupt RDH12 protein function with a positive predictive value of 80%. This variant disrupts the p.Arg169 amino acid residue in RDH12. Other variant(s) that disrupt this residue have been determined to be pathogenic (PMID: 22065924, 25133751). This suggests that this residue is clinically significant, and that variants that disrupt this residue are likely to be disease-causing. For these reasons, this variant has been classified as Pathogenic.

Blueprint Genetics
Classification: Pathogenic for RDH12-related disorders. Last evaluated: 2024-06-14. Review status: criteria provided, single submitter. Criteria: ACMG Guidelines, 2015. Collection method: clinical testing. Allele origin: germline. Affected: yes. Observed: 5 variant alleles.

Fulgent Genetics
Classification: Pathogenic for Leber congenital amaurosis 13. Last evaluated: 2024-03-26. Review status: criteria provided, single submitter. Criteria: ACMG Guidelines, 2015. Collection method: clinical testing. Allele origin: germline.

3billion
Classification: Likely pathogenic for Leber congenital amaurosis 13. Last evaluated: 2022-05-22. Review status: criteria provided, single submitter. Criteria: ACMG Guidelines, 2015. Collection method: clinical testing. Allele origin: germline. Affected: yes. Observed: 1 heterozygote.
Comment: The variant is observed at an extremely low frequency in the gnomAD v2.1.1 dataset (total allele frequency: 0.002%). Missense changes are a common disease-causing mechanism. In silico tool predictions suggest damaging effect of the variant on gene or gene product (REVEL: 0.92; 3Cnet: 0.96). Same nucleotide change resulting in same amino acid change has been previously reported to be associated with RDH12 related disorder (PMID: 26047050). The variant has been reported to be in trans with a pathogenic variant as either compound heterozygous or homozygous in at least one similarly affected unrelated individual (PMID: 26047050). Different missense changes at the same codon (p.Arg169Gln, p.Arg169Trp) have been reported as pathogenic/likely pathogenic with strong evidence (ClinVar ID: VCV000623219, VCV000866945). Therefore, this variant is classified as likely pathogenic according to the recommendation of ACMG/AMP guideline.

Literature cited by the submitters: PubMed 26047050 (cited by 3 submitters); PubMed 30134391 (cited by Natera, Inc.); PubMed 33608557 (cited by Natera, Inc.); PubMed 35006499 (cited by Natera, Inc. and Labcorp Genetics (formerly Invitae), Labcorp); PubMed 36729443 (cited by Natera, Inc.); PubMed 22065924 (cited by Labcorp Genetics (formerly Invitae), Labcorp); PubMed 25133751 (cited by Labcorp Genetics (formerly Invitae), Labcorp).